The following is an entry in ClinVar:

ClinVar aggregate classification (germline): Uncertain significance (1 of 4 stars; one submission).

Conditions:
Baller-Gerold syndrome (BGS). Also called: CRANIOSYNOSTOSIS WITH RADIAL DEFECTS. Identifiers: Orphanet 1225, MedGen C0265308, MONDO:0009039, OMIM 218600.

Submission:

Labcorp Genetics (formerly Invitae), Labcorp
Classification: Uncertain significance for Baller-Gerold syndrome. Last evaluated: 2020-11-13. Review status: criteria provided, single submitter. Criteria: Invitae Variant Classification Sherloc (09022015). Collection method: clinical testing. Allele origin: germline.
Comment: This variant is not present in population databases (ExAC no frequency). This sequence change replaces glutamic acid with lysine at codon 1115 of the RECQL4 protein (p.Glu1115Lys). The glutamic acid residue is weakly conserved and there is a small physicochemical difference between glutamic acid and lysine. This variant has not been reported in the literature in individuals with RECQL4-related conditions. Experimental studies and prediction algorithms are not available or were not evaluated, and the functional significance of this variant is currently unknown. In summary, the available evidence is currently insufficient to determine the role of this variant in disease. Therefore, it has been classified as a Variant of Uncertain Significance.

NM_004260.4(RECQL4):c.3343G>A (p.Glu1115Lys)

Gene: RECQL4 (RecQ like helicase 4; minus strand). Cytogenetic location: 8q24.3.
Variant type: single nucleotide variant.
Coding change: c.3343G>A on transcript NM_004260.4 (MANE Select); coding-DNA position 3343, G replaced by A.
Protein change: p.Glu1115Lys; replaces glutamic acid 1115 with lysine.
Molecular consequence: missense variant.
Genome position (GRCh38, 1-based): chr8:144,511,961, C>T on the plus strand (G>A on the coding strand, the complement: RECQL4 is on the minus strand). VCF-style: chr8-144511961-C-T. GRCh37 (hg19) VCF-style: chr8-145737344-C-T.
Other names: short protein forms E1115K.
Identifiers: ClinVar variation 1346705 (VCV001346705.6), dbSNP rs2130654574, ClinGen allele CA372668455.